The following is an entry in ClinVar:

ClinVar aggregate classification (germline): Uncertain significance. Review status: criteria provided, multiple submitters, no conflicts (2 of 4 stars). 2 submissions from 2 submitters: Uncertain significance (2). Last evaluated 2025-08-30.

Conditions:
Inborn genetic diseases. Identifiers: MedGen C0950123, MeSH D030342.

gnomAD v4.1: 1 of 1,614,044 alleles (0.000062%); highest among the groups gnomAD compares: African/African-American, 0.0013%; no homozygotes.

Submissions (2):

Ambry Genetics
Classification: Uncertain significance for Inborn genetic diseases. Last evaluated: 2025-08-30. Review status: criteria provided, single submitter. Criteria: Ambry Variant Classification Scheme 2023. Collection method: clinical testing. Allele origin: germline.

GeneDx
Classification: Uncertain significance. Last evaluated: 2024-06-11. Review status: criteria provided, single submitter. Criteria: GeneDx Variant Classification Process June 2021. Collection method: clinical testing. Allele origin: germline. Affected: yes.
Comment: Not observed at significant frequency in large population cohorts (gnomAD); In silico analysis supports that this missense variant has a deleterious effect on protein structure/function; Has not been previously published as pathogenic or benign to our knowledge

NM_197968.4(ZMYM2):c.377A>G (p.Glu126Gly)

Gene: ZMYM2 (zinc finger MYM-type containing 2; plus strand). Cytogenetic location: 13q12.11.
Variant type: single nucleotide variant.
Coding change: c.377A>G on transcript NM_197968.4 (MANE Select); coding-DNA position 377, A replaced by G.
Protein change: p.Glu126Gly; replaces glutamic acid 126 with glycine.
Molecular consequence: missense variant. On other transcripts: non-coding transcript variant (1).
Genome position (GRCh38, 1-based): chr13:19,993,449, A>G. VCF-style: chr13-19993449-A-G. GRCh37 (hg19) VCF-style: chr13-20567589-A-G.
Other names: c.377A>G (NM_003453.3); c.377A>G, p.Glu126Gly (NM_001190964.4, NM_001190965.4, NM_001353157.2 and 6 more transcripts); c.443A>G, p.Glu148Gly (NM_001353161.3); short protein forms E126G, E148G.
Identifiers: ClinVar variation 3390730 (VCV003390730.2).